The following continues an entry in ClinVar:

NM_025114.4(CEP290):c.6116A>G (p.Asp2039Gly)

Gene: CEP290. ClinVar aggregate classification (germline): Uncertain significance. Uncertain significance (17).

Submissions 15 to 24 of 24:

Illumina Laboratory Services, Illumina
Classification: Uncertain significance for Joubert syndrome 5. Last evaluated: 2018-01-12. Review status: criteria provided, single submitter. Criteria: ICSL Variant Classification Criteria 13 December 2019. Collection method: clinical testing. Allele origin: germline.

Illumina Laboratory Services, Illumina
Classification: Uncertain significance for Meckel syndrome, type 4. Last evaluated: 2018-01-12. Review status: criteria provided, single submitter. Criteria: ICSL Variant Classification Criteria 13 December 2019. Collection method: clinical testing. Allele origin: germline.

Eurofins Ntd Llc (ga)
Classification: Uncertain significance. Last evaluated: 2015-10-20. Review status: criteria provided, single submitter. Criteria: EGL Classification Definitions 2015. Collection method: clinical testing. Allele origin: germline. Observed: 1 variant allele, 1 heterozygote.

Natera, Inc.
Classification: Uncertain significance for Leber congenital amaurosis. Last evaluated: 2020-02-11. Review status: no assertion criteria provided. Collection method: clinical testing. Allele origin: germline. Not counted in ClinVar's aggregate classification.

Centre de Biologie Pathologie Génétique, Centre Hospitalier Universitaire de Lille
Classification: Uncertain significance for Intellectual disability. Last evaluated: 2019-01-01. Review status: no assertion criteria provided. Collection method: clinical testing. Allele origin: unknown. Affected: yes. Not counted in ClinVar's aggregate classification.

Clinical Genetics DNA and cytogenetics Diagnostics Lab, Erasmus MC, Erasmus Medical Center
Classification: Uncertain significance. Review status: no assertion criteria provided. Collection method: clinical testing. Allele origin: germline. Affected: yes. Study: VKGL Data-share Consensus. Not counted in ClinVar's aggregate classification.

Diagnostic Laboratory, Department of Genetics, University Medical Center Groningen
Classification: Uncertain significance. Review status: no assertion criteria provided. Collection method: clinical testing. Allele origin: germline. Affected: yes. Study: VKGL Data-share Consensus. Not counted in ClinVar's aggregate classification.

Dr. Peter K. Rogan Lab, Western University
No classification provided (evidence only). Condition: Clear cell carcinoma of kidney. Review status: no classification provided. Collection method: in vitro. Allele origin: not applicable. Functional consequence: retained intron. Not counted in ClinVar's aggregate classification.

Dr. Peter K. Rogan Lab, Western University
No classification provided (evidence only). Condition: Familial cancer of breast. Review status: no classification provided. Collection method: in vitro. Allele origin: not applicable. Functional consequence: skipped exon, retained intron. Not counted in ClinVar's aggregate classification.

Dr. Peter K. Rogan Lab, Western University
No classification provided (evidence only). Condition: Thyroid cancer, nonmedullary, 1. Review status: no classification provided. Collection method: in vitro. Allele origin: not applicable. Functional consequence: retained intron. Not counted in ClinVar's aggregate classification.

Literature cited by the submitters: PubMed 31370859 (cited by 3 submitters); PubMed 31193260 (cited by Women's Health and Genetics/Laboratory Corporation of America, LabCorp and Dasa); PubMed 3442652 (cited by Institute of Human Genetics, Univ. Regensburg, Univ. Regensburg).